The following is an entry in ClinVar:

NM_007294.4(BRCA1):c.5160C>G (p.Thr1720=)

Gene: BRCA1 (BRCA1 DNA repair associated; minus strand). Cytogenetic location: 17q21.31.
Variant type: single nucleotide variant.
Coding change: c.5160C>G on transcript NM_007294.4 (MANE Select); coding-DNA position 5160, C replaced by G.
Protein change: p.Thr1720=; no amino-acid change (threonine 1720 retained).
Molecular consequence: synonymous variant.
Genome position (GRCh38, 1-based): chr17:43,063,366, G>C on the plus strand (C>G on the coding strand, the complement: BRCA1 is on the minus strand). VCF-style: chr17-43063366-G-C. GRCh37 (hg19) VCF-style: chr17-41215383-G-C.
Other names: c.4827C>G, p.Thr1609= (NM_001407946.1, NM_001407947.1, NM_001407948.1 and 1 more transcripts); c.4824C>G, p.Thr1608= (NM_001407950.1, NM_001407951.1, NM_001407952.1 and 3 more transcripts); c.4821C>G, p.Thr1607= (NM_001407956.1, NM_001407957.1, NM_001407958.1); c.4779C>G, p.Thr1593= (NM_001407959.1); c.4776C>G, p.Thr1592= (NM_001407960.1, NM_001407962.1); c.4773C>G, p.Thr1591= (NM_001407963.1); c.4698C>G, p.Thr1566= (NM_001407964.1); c.4653C>G, p.Thr1551= (NM_001407965.1); and 72 more.
Identifiers: ClinVar variation 427321 (VCV000427321.9), dbSNP rs376736915, ClinGen allele CA054091.

ClinVar aggregate classification (germline): Likely benign. Review status: reviewed by expert panel (3 of 4 stars). 4 submissions from 4 submitters: Likely benign (1). 3 of the submissions do not count toward it. Last evaluated 2017-06-29.

Conditions:
Hereditary breast ovarian cancer syndrome. Also called: Hereditary breast and ovarian cancer syndrome (HBOC); BRCA1- and BRCA2-Associated Hereditary Breast and Ovarian Cancer; Hereditary breast and/or ovarian cancer syndrome; Hereditary breast and ovarian cancer syndrome; Hereditary breast and ovarian cancer; Breast and ovarian cancer. Identifiers: Orphanet 145, MedGen C0677776, MeSH D061325, MONDO:0003582. Disease mechanism: loss of function.
Hereditary cancer-predisposing syndrome. Also called: Neoplastic Syndromes, Hereditary; Hereditary neoplastic syndrome; Tumor predisposition; Hereditary Cancer Syndrome. Identifiers: Orphanet 140162, MedGen C0027672, MeSH D009386, MONDO:0015356.
Breast-ovarian cancer, familial, susceptibility to, 1 (BROVCA1). Also called: BRCA1 Hereditary Breast and Ovarian Cancer; OVARIAN CANCER, SUSCEPTIBILITY TO. Identifiers: Orphanet 145, MedGen C2676676, MONDO:0011450, OMIM 604370. Disease mechanism: loss of function.

Allele frequency attached by ClinVar (database versions not stated): gnomAD exomes below 0.00001; TOPMed below 0.00001; ExAC 0.00001; gnomAD 0.00001; ESP Exome Variant Server 0.00008.
gnomAD v4.1: 1 of 1,611,210 alleles (0.000062%); highest among the groups gnomAD compares: Non-Finnish European, 0.000085%; no homozygotes.

Submissions (4):

Evidence-based Network for the Interpretation of Germline Mutant Alleles (ENIGMA)
Classification: Likely benign for Breast-ovarian cancer, familial, susceptibility to, 1. Last evaluated: 2017-06-29. Review status: reviewed by expert panel. Criteria: ENIGMA BRCA1/2 Classification Criteria (2017-06-29). Collection method: curation. Allele origin: germline.
Comment: Synonymous substitution variant, with low bioinformatic likelihood to result in a splicing aberration (Splicing prior probability 0.02).

Ambry Genetics
Classification: Likely benign for Hereditary cancer-predisposing syndrome. Last evaluated: 2025-03-15. Review status: criteria provided, single submitter. Criteria: Ambry Variant Classification Scheme 2023. Collection method: clinical testing. Allele origin: germline. Not counted in ClinVar's aggregate classification.

Labcorp Genetics (formerly Invitae), Labcorp
Classification: Likely benign for Hereditary breast ovarian cancer syndrome. Last evaluated: 2023-09-08. Review status: criteria provided, single submitter. Criteria: Invitae Variant Classification Sherloc (09022015). Collection method: clinical testing. Allele origin: germline. Not counted in ClinVar's aggregate classification.

Color Diagnostics, LLC DBA Color Health
Classification: Likely benign for Hereditary cancer-predisposing syndrome. Last evaluated: 2023-07-17. Review status: criteria provided, single submitter. Criteria: ACMG Guidelines, 2015. Collection method: clinical testing. Allele origin: germline. Not counted in ClinVar's aggregate classification.